The following is an entry in ClinVar:

ClinVar aggregate classification (germline): Uncertain significance (1 of 4 stars; one submission).

Conditions:
Hereditary cancer-predisposing syndrome. Also called: Neoplastic Syndromes, Hereditary; Hereditary Cancer Syndrome; Hereditary neoplastic syndrome; Tumor predisposition. Identifiers: Orphanet 140162, MedGen C0027672, MeSH D009386, MONDO:0015356.

Submission:

Ambry Genetics
Classification: Uncertain significance for Hereditary cancer-predisposing syndrome. Last evaluated: 2023-05-05. Review status: criteria provided, single submitter. Criteria: Ambry Variant Classification Scheme 2023. Collection method: clinical testing. Allele origin: germline.
Comment: The p.I484M variant (also known as c.1452T>G), located in coding exon 11 of the SDHA gene, results from a T to G substitution at nucleotide position 1452. The isoleucine at codon 484 is replaced by methionine, an amino acid with highly similar properties. This amino acid position is conserved. In addition, this alteration is predicted to be tolerated by in silico analysis. Since supporting evidence is limited at this time, the clinical significance of this alteration remains unclear.

NM_004168.4(SDHA):c.1452T>G (p.Ile484Met)

Gene: SDHA (succinate dehydrogenase complex flavoprotein subunit A; plus strand). Cytogenetic location: 5p15.33.
Variant type: single nucleotide variant.
Coding change: c.1452T>G on transcript NM_004168.4 (MANE Select); coding-DNA position 1452, T replaced by G.
Protein change: p.Ile484Met; replaces isoleucine 484 with methionine.
Molecular consequence: missense variant.
Genome position (GRCh38, 1-based): chr5:240,377, T>G. VCF-style: chr5-240377-T-G. GRCh37 (hg19) VCF-style: chr5-240492-T-G.
Other names: c.1308T>G, p.Ile436Met (NM_001294332.2); c.1452T>G, p.Ile484Met (NM_001330758.2); short protein forms I484M, I436M.
Identifiers: ClinVar variation 2562375 (VCV002562375.2), dbSNP rs2477397533, ClinGen allele CA359014196.